The following is an entry in ClinVar:

ClinVar aggregate classification (germline): Uncertain significance. Review status: criteria provided, multiple submitters, no conflicts (2 of 4 stars). 2 submissions from 2 submitters: Uncertain significance (2). Last evaluated 2020-02-20.

Conditions:
Developmental and epileptic encephalopathy 94 (DEE94). Also called: Epileptic encephalopathy, childhood-onset; CHD2-Related Neurodevelopmental Disorders. Identifiers: Orphanet 1942, Orphanet 2382, MedGen C3809278, MONDO:0014150, OMIM 615369.

Allele frequency attached by ClinVar (database versions not stated): gnomAD exomes below 0.00001.
gnomAD v4.1: 1 of 1,614,000 alleles (0.000062%); highest among the groups gnomAD compares: Admixed American, 0.0017%; no homozygotes.

Submissions (2):

GeneDx
Classification: Uncertain significance. Last evaluated: 2020-02-20. Review status: criteria provided, single submitter. Criteria: GeneDx Variant Classification Process June 2021. Collection method: clinical testing. Allele origin: germline. Affected: yes.
Comment: Not observed in large population cohorts (Lek et al., 2016); In silico analysis supports that this missense variant does not alter protein structure/function; Has not been previously published as pathogenic or benign to our knowledge

Labcorp Genetics (formerly Invitae), Labcorp
Classification: Uncertain significance for Developmental and epileptic encephalopathy 94. Last evaluated: 2018-11-13. Review status: criteria provided, single submitter. Criteria: Invitae Variant Classification Sherloc (09022015). Collection method: clinical testing. Allele origin: germline.
Comment: In summary, the available evidence is currently insufficient to determine the role of this variant in disease. Therefore, it has been classified as a Variant of Uncertain Significance. Algorithms developed to predict the effect of missense changes on protein structure and function are either unavailable or do not agree on the potential impact of this missense change (SIFT: "Deleterious"; PolyPhen-2: "Benign"; Align-GVGD: "Class C25"). This variant has not been reported in the literature in individuals with CHD2-related disease. ClinVar contains an entry for this variant (Variation ID: 452549). This variant is not present in population databases (ExAC no frequency). This sequence change replaces valine with leucine at codon 1163 of the CHD2 protein (p.Val1163Leu). The valine residue is highly conserved and there is a small physicochemical difference between valine and leucine.

NM_001271.4(CHD2):c.3487G>C (p.Val1163Leu)

Gene: CHD2 (chromodomain helicase DNA binding protein 2; plus strand). Cytogenetic location: 15q26.1.
Variant type: single nucleotide variant.
Coding change: c.3487G>C on transcript NM_001271.4 (MANE Select); coding-DNA position 3487, G replaced by C.
Protein change: p.Val1163Leu; replaces valine 1163 with leucine.
Molecular consequence: missense variant.
Genome position (GRCh38, 1-based): chr15:92,992,890, G>C. VCF-style: chr15-92992890-G-C. GRCh37 (hg19) VCF-style: chr15-93536120-G-C.
Other names: short protein forms V1163L.
Identifiers: ClinVar variation 452549 (VCV000452549.12), dbSNP rs1555444210, ClinGen allele CA393896585.